The following is an entry in ClinVar:

NM_194279.4(ISCA2):c.175-14T>C

Gene: ISCA2 (iron-sulfur cluster assembly 2; plus strand). Cytogenetic location: 14q24.3.
Variant type: single nucleotide variant.
Coding change: c.175-14T>C on transcript NM_194279.4 (MANE Select); 14 bases into the intron before coding-DNA position 175, T replaced by C.
Molecular consequence: intron variant.
Genome position (GRCh38, 1-based): chr14:74,494,261, T>C. VCF-style: chr14-74494261-T-C. GRCh37 (hg19) VCF-style: chr14-74960964-T-C.
Other names: c.174+109T>C (NM_001272007.2).
Identifiers: ClinVar variation 516403 (VCV000516403.9), dbSNP rs551573044, ClinGen allele CA7268298.

ClinVar aggregate classification (germline): Likely benign. Review status: criteria provided, multiple submitters, no conflicts (2 of 4 stars). 2 submissions from 2 submitters: Likely benign (2). Last evaluated 2024-10-31.

Allele frequency attached by ClinVar (database versions not stated): gnomAD 0.00005 and 0.00006; gnomAD exomes 0.00007; TOPMed 0.00007; ExAC 0.00008; 1000 Genomes Project 30x 0.00016; 1000 Genomes Project 0.00020.

Submissions (2):

Labcorp Genetics (formerly Invitae), Labcorp
Classification: Likely benign. Last evaluated: 2024-10-31. Review status: criteria provided, single submitter. Criteria: Invitae Variant Classification Sherloc (09022015). Collection method: clinical testing. Allele origin: germline.

GeneDx
Classification: Likely benign. Last evaluated: 2018-01-29. Review status: criteria provided, single submitter. Criteria: GeneDx Variant Classification (06012015). Collection method: clinical testing. Allele origin: germline. Affected: yes.
Comment: This variant is considered likely benign or benign based on one or more of the following criteria: it is a conservative change, it occurs at a poorly conserved position in the protein, it is predicted to be benign by multiple in silico algorithms, and/or has population frequency not consistent with disease.